The following is an entry in ClinVar:

NM_000264.5(PTCH1):c.3547G>A (p.Glu1183Lys)

Gene: PTCH1 (patched 1; minus strand). Cytogenetic location: 9q22.32.
Variant type: single nucleotide variant.
Coding change: c.3547G>A on transcript NM_000264.5 (MANE Select); coding-DNA position 3547, G replaced by A.
Protein change: p.Glu1183Lys; replaces glutamic acid 1183 with lysine.
Molecular consequence: missense variant. On other transcripts: non-coding transcript variant (1).
Genome position (GRCh38, 1-based): chr9:95,449,843, C>T on the plus strand (G>A on the coding strand, the complement: PTCH1 is on the minus strand). VCF-style: chr9-95449843-C-T. GRCh37 (hg19) VCF-style: chr9-98212125-C-T.
Other names: c.3349G>A, p.Glu1117Lys (NM_001083602.3); c.3544G>A, p.Glu1182Lys (NM_001083603.3); c.3094G>A, p.Glu1032Lys (NM_001083604.3, NM_001083605.3, NM_001083606.3 and 1 more transcripts); c.3391G>A, p.Glu1131Lys (NM_001354918.2); short protein forms E1131K, E1182K, E1032K, E1117K, E1183K.
Identifiers: ClinVar variation 5027508 (VCV005027508.1).

ClinVar aggregate classification (germline): Uncertain significance (1 of 4 stars; one submission).

Conditions:
Hereditary cancer-predisposing syndrome. Also called: Neoplastic Syndromes, Hereditary; Tumor predisposition; Hereditary neoplastic syndrome; Hereditary Cancer Syndrome. Identifiers: Orphanet 140162, MedGen C0027672, MeSH D009386, MONDO:0015356.

Submission:

Ambry Genetics
Classification: Uncertain significance for Hereditary cancer-predisposing syndrome. Last evaluated: 2026-07-07. Review status: criteria provided, single submitter. Criteria: Ambry Variant Classification Scheme 2023. Collection method: clinical testing. Allele origin: germline.
Comment: The p.E1117K variant (also known as c.3349G>A), located in coding exon 21 of the PTCH1 gene, results from a G to A substitution at nucleotide position 3349. The glutamic acid at codon 1117 is replaced by lysine, an amino acid with similar properties. This amino acid position is conserved. In addition, this alteration is predicted to be deleterious by in silico analysis. Based on the available evidence, the clinical significance of this variant remains unclear.